The following is an entry in ClinVar:

ClinVar aggregate classification (germline): Uncertain significance (1 of 4 stars; one submission).

gnomAD v4.1: 3 of 1,613,888 alleles (0.00019%); highest among the groups gnomAD compares: Non-Finnish European, 0.00017%; no homozygotes.

Submission:

GeneDx
Classification: Uncertain significance. Last evaluated: 2026-03-02. Review status: criteria provided, single submitter. Criteria: GeneDx Variant Classification Process June 2021. Collection method: clinical testing. Allele origin: germline.
Comment: Not observed at significant frequency in large population cohorts (gnomAD); In silico analysis suggests that this missense variant does not alter protein structure/function; Has not been previously published as pathogenic or benign to our knowledge

NM_014974.3(DIP2C):c.904A>G (p.Met302Val)

Gene: DIP2C (DIP2 acetate--CoA ligase C (putative); minus strand). Cytogenetic location: 10p15.3.
Variant type: single nucleotide variant.
Coding change: c.904A>G on transcript NM_014974.3 (MANE Select); coding-DNA position 904, A replaced by G.
Protein change: p.Met302Val; replaces methionine 302 with valine.
Molecular consequence: missense variant.
Genome position (GRCh38, 1-based): chr10:414,066, T>C on the plus strand (A>G on the coding strand, the complement: DIP2C is on the minus strand). VCF-style: chr10-414066-T-C. GRCh37 (hg19) VCF-style: chr10-460006-T-C.
Other names: short protein forms M302V.
Identifiers: ClinVar variation 5009819 (VCV005009819.1).